The following is an entry in ClinVar:

ClinVar aggregate classification (germline): Pathogenic. Review status: reviewed by expert panel (3 of 4 stars). 6 submissions from 6 submitters: Pathogenic (1). 5 of the submissions do not count toward it. Last evaluated 2016-09-08.

Conditions:
Hereditary cancer-predisposing syndrome. Also called: Tumor predisposition; Neoplastic Syndromes, Hereditary; Hereditary Cancer Syndrome; Hereditary neoplastic syndrome. Identifiers: Orphanet 140162, MedGen C0027672, MeSH D009386, MONDO:0015356.
Hereditary breast ovarian cancer syndrome. Also called: Hereditary breast and ovarian cancer syndrome (HBOC); Hereditary breast and ovarian cancer syndrome; Hereditary breast and ovarian cancer; Hereditary breast and/or ovarian cancer syndrome; Breast and ovarian cancer; BRCA1- and BRCA2-Associated Hereditary Breast and Ovarian Cancer. Identifiers: Orphanet 145, MedGen C0677776, MeSH D061325, MONDO:0003582. Disease mechanism: loss of function.
Breast-ovarian cancer, familial, susceptibility to, 1 (BROVCA1). Also called: OVARIAN CANCER, SUSCEPTIBILITY TO; BRCA1 Hereditary Breast and Ovarian Cancer. Identifiers: Orphanet 145, MedGen C2676676, MONDO:0011450, OMIM 604370. Disease mechanism: loss of function.

Submissions (6):

Evidence-based Network for the Interpretation of Germline Mutant Alleles (ENIGMA)
Classification: Pathogenic for Breast-ovarian cancer, familial, susceptibility to, 1. Last evaluated: 2016-09-08. Review status: reviewed by expert panel. Criteria: ENIGMA BRCA1/2 Classification Criteria (2015). Collection method: curation. Allele origin: germline.
Comment: Variant allele predicted to encode a truncated non-functional protein.

Labcorp Genetics (formerly Invitae), Labcorp
Classification: Pathogenic for Hereditary breast ovarian cancer syndrome. Last evaluated: 2025-09-13. Review status: criteria provided, single submitter. Criteria: Invitae Variant Classification Sherloc (09022015). Collection method: clinical testing. Allele origin: germline. Not counted in ClinVar's aggregate classification.
Comment: This sequence change creates a premature translational stop signal (p.Arg1583Serfs*38) in the BRCA1 gene. It is expected to result in an absent or disrupted protein product. Loss-of-function variants in BRCA1 are known to be pathogenic (PMID: 20104584). This variant is not present in population databases (gnomAD no frequency). This variant has not been reported in the literature in individuals affected with BRCA1-related conditions. ClinVar contains an entry for this variant (Variation ID: 37609). For these reasons, this variant has been classified as Pathogenic.

Ambry Genetics
Classification: Pathogenic for Hereditary cancer-predisposing syndrome. Last evaluated: 2025-06-12. Review status: criteria provided, single submitter. Criteria: Ambry Variant Classification Scheme 2023. Collection method: clinical testing. Allele origin: germline. Not counted in ClinVar's aggregate classification.
Comment: The c.4749_4750delAG pathogenic mutation, located in coding exon 14 of the BRCA1 gene, results from a deletion of two nucleotides at nucleotide positions 4749 to 4750, causing a translational frameshift with a predicted alternate stop codon (p.R1583Sfs*38). This variant is considered to be rare based on population cohorts in the Genome Aggregation Database (gnomAD). This alteration is expected to result in loss of function by premature protein truncation or nonsense-mediated mRNA decay. As such, this alteration is interpreted as a disease-causing mutation.

Quest Diagnostics Nichols Institute San Juan Capistrano
Classification: Pathogenic. Last evaluated: 2023-07-11. Review status: criteria provided, single submitter. Criteria: Quest Diagnostics criteria. Collection method: clinical testing. Allele origin: unknown. Not counted in ClinVar's aggregate classification.
Comment: The BRCA1 c.4749_4750del (p.Arg1583Serfs*38) variant alters the translational reading frame of the BRCA1 mRNA and causes the premature termination of BRCA1 protein synthesis. This variant has been reported in the published literature in large population studies screening for variants in BRCA1 and BRCA2 in Chinese individuals (PMID: 30702160 (2019), 31825140 (2019)). This variant has not been reported in large, multi-ethnic general populations (Genome Aggregation Database). Based on the available information, this variant is classified as pathogenic.

Sharing Clinical Reports Project (SCRP)
Classification: Pathogenic for Breast-ovarian cancer, familial 1. Last evaluated: 2009-04-27. Review status: no assertion criteria provided. Collection method: clinical testing. Allele origin: germline. Not counted in ClinVar's aggregate classification.

Breast Cancer Information Core (BIC) (BRCA1)
Classification: Pathogenic for Breast-ovarian cancer, familial 1. Last evaluated: 2003-12-23. Review status: no assertion criteria provided. Collection method: clinical testing. Allele origin: germline. Affected: yes. Observed: 1 variant allele. Not counted in ClinVar's aggregate classification.

Literature cited by the submitters: PubMed 20104584 (cited by Labcorp Genetics (formerly Invitae), Labcorp); PubMed 30702160 (cited by Quest Diagnostics Nichols Institute San Juan Capistrano); PubMed 31825140 (cited by Quest Diagnostics Nichols Institute San Juan Capistrano).

NM_007294.4(BRCA1):c.4749_4750del (p.Arg1583fs)

Gene: BRCA1 (BRCA1 DNA repair associated; minus strand). Cytogenetic location: 17q21.31.
Variant type: Microsatellite.
Coding change: c.4749_4750del on transcript NM_007294.4 (MANE Select); coding-DNA positions 4749 to 4750, 2 bases deleted (AG; older notation c.4749_4750delAG).
Protein change: p.Arg1583fs; shifts the reading frame from arginine 1583.
Molecular consequence: frameshift variant. On other transcripts: non-coding transcript variant (1).
Genome position (GRCh38, 1-based): chr17:43,071,164-43,071,165, CT deleted on the plus strand (AG on the coding strand, the reverse complement: BRCA1 is on the minus strand); deleting any 2 consecutive bases within chr17:43,071,164-43,071,167 gives the same sequence; the c. name uses the placement nearest the transcript's 3' end. VCF-style (leftmost placement, unchanged base first): chr17-43071163-GCT-G. GRCh37 (hg19) VCF-style: chr17-41223180-GCT-G.
Other names: 4868delAG; c.4749_4750delAG (NM_007294.3); c.1312_1313AG[1], p.Arg438Serfs (NM_001408437.1, NM_001408438.1, NM_001408439.1 and 10 more transcripts); c.1309_1310AG[1], p.Arg437Serfs (NM_001408445.1, NM_001408446.1, NM_001408447.1 and 2 more transcripts); c.1303_1304AG[1], p.Arg435Serfs (NM_001408451.1); c.1297_1298AG[1], p.Arg433Serfs (NM_001408452.1, NM_001408453.1, NM_001408454.1 and 3 more transcripts); c.1294_1295AG[1], p.Arg432Serfs (NM_001408458.1, NM_001408459.1, NM_001408460.1 and 7 more transcripts); c.1291_1292AG[1], p.Arg431Serfs (NM_001408468.1, NM_001408469.1, NM_001408470.1); and 75 more; short protein forms R1583fs, R1536fs, R1604fs, R479fs.
Identifiers: ClinVar variation 37609 (VCV000037609.10), dbSNP rs80357641, ClinGen allele CA003004.